The following is an entry in ClinVar:

ClinVar aggregate classification (germline): Conflicting classifications of pathogenicity. Review status: criteria provided, conflicting classifications (1 of 4 stars). 2 submissions from 2 submitters: Likely pathogenic (1); Uncertain significance (1). Last evaluated 2025-05-27.

Conditions:
Acyl-CoA oxidase deficiency. Also called: Peroxisomal acyl-CoA oxidase deficiency; STRAIGHT-CHAIN ACYL-CoA OXIDASE DEFICIENCY; Pseudoneonatal adrenoleukodystrophy. Identifiers: Orphanet 2971, MedGen C1849678, MONDO:0009919, OMIM 264470. Disease mechanism: loss of function.

Allele frequency attached by ClinVar (database versions not stated): TOPMed below 0.00001; ExAC 0.00001; gnomAD 0.00001; gnomAD exomes 0.00001.
gnomAD v4.1: 18 of 1,607,924 alleles (0.0011%); highest among the groups gnomAD compares: Non-Finnish European, 0.0014%; no homozygotes.

Submissions (2):

Labcorp Genetics (formerly Invitae), Labcorp
Classification: Likely pathogenic for Acyl-CoA oxidase deficiency. Last evaluated: 2025-05-27. Review status: criteria provided, single submitter. Criteria: Invitae Variant Classification Sherloc (09022015). Collection method: clinical testing. Allele origin: germline.
Comment: This sequence change replaces serine, which is neutral and polar, with leucine, which is neutral and non-polar, at codon 184 of the ACOX1 protein (p.Ser184Leu). This variant is present in population databases (rs780887410, gnomAD 0.0009%). This missense change has been observed in individual(s) with clinical features of peroxisomal acyl-CoA oxidase deficiency (PMID: 17458872; internal data). In at least one individual the data is consistent with being in trans (on the opposite chromosome) from a pathogenic variant. ClinVar contains an entry for this variant (Variation ID: 1495728). Invitae Evidence Modeling of protein sequence and biophysical properties (such as structural, functional, and spatial information, amino acid conservation, physicochemical variation, residue mobility, and thermodynamic stability) indicates that this missense variant is expected to disrupt ACOX1 protein function with a positive predictive value of 80%. In summary, the currently available evidence indicates that the variant is pathogenic, but additional data are needed to prove that conclusively. Therefore, this variant has been classified as Likely Pathogenic.

Women's Health and Genetics/Laboratory Corporation of America, LabCorp
Classification: Uncertain significance. Last evaluated: 2025-02-17. Review status: criteria provided, single submitter. Criteria: LabCorp Variant Classification Summary - May 2015. Collection method: clinical testing. Allele origin: germline.
Comment: Variant summary: ACOX1 c.551C>T (p.Ser184Leu) results in a non-conservative amino acid change located in the Acyl-CoA oxidase/dehydrogenase, middle domain (IPR006091) of the encoded protein sequence. Five of five in-silico tools predict a damaging effect of the variant on protein function. The variant allele was found at a frequency of 8e-06 in 251424 control chromosomes. The available data on variant occurrences in the general population are insufficient to allow any conclusion about variant significance. c.551C>T has been reported in the literature in at-least one individual affected with peroxisomal acyl-CoA oxidase deficiency (Ferdinandusse_2007). These report(s) do not provide unequivocal conclusions about association of the variant with Pseudoneonatal Adrenoleukodystrophy. To our knowledge, no experimental evidence demonstrating an impact on protein function has been reported. The following publication have been ascertained in the context of this evaluation (PMID: 17458872). ClinVar contains an entry for this variant (Variation ID: 1495728). Based on the evidence outlined above, the variant was classified as uncertain significance.

Literature cited by the submitters: PubMed 17458872 (cited by Labcorp Genetics (formerly Invitae), Labcorp and Women's Health and Genetics/Laboratory Corporation of America, LabCorp).

NM_004035.7(ACOX1):c.551C>T (p.Ser184Leu)

Gene: ACOX1 (acyl-CoA oxidase 1; minus strand). Cytogenetic location: 17q25.1.
Variant type: single nucleotide variant.
Coding change: c.551C>T on transcript NM_004035.7 (MANE Select); coding-DNA position 551, C replaced by T.
Protein change: p.Ser184Leu; replaces serine 184 with leucine.
Molecular consequence: missense variant.
Genome position (GRCh38, 1-based): chr17:75,955,935, G>A on the plus strand (C>T on the coding strand, the complement: ACOX1 is on the minus strand). VCF-style: chr17-75955935-G-A. GRCh37 (hg19) VCF-style: chr17-73952016-G-A.
Other names: c.551C>T (NM_004035.6); c.437C>T, p.Ser146Leu (NM_001185039.2); c.551C>T, p.Ser184Leu (NM_007292.6); short protein forms S146L, S184L.
Identifiers: ClinVar variation 1495728 (VCV001495728.9), dbSNP rs780887410, ClinGen allele CA8776983.